The following is an entry in ClinVar:

ClinVar aggregate classification (germline): Pathogenic (1 of 4 stars; one submission).

Conditions:
Early-infantile DEE. Also called: Ohtahara syndrome; Early infantile epileptic encephalopathy with suppression bursts; Early infantile epileptic encephalopathy. Identifiers: Orphanet 1934, MedGen C0393706, MONDO:0800491.

Submission:

Labcorp Genetics (formerly Invitae), Labcorp
Classification: Pathogenic for Early-infantile DEE. Last evaluated: 2025-09-17. Review status: criteria provided, single submitter. Criteria: Invitae Variant Classification Sherloc (09022015). Collection method: clinical testing. Allele origin: germline.
Comment: This sequence change creates a premature translational stop signal (p.Ala348Hisfs*52) in the KCNQ2 gene. It is expected to result in an absent or disrupted protein product. Loss-of-function variants in KCNQ2 are known to be pathogenic (PMID: 14534157, 23692823, 27779742). This variant is not present in population databases (gnomAD no frequency). This variant has not been reported in the literature in individuals affected with KCNQ2-related conditions. ClinVar contains an entry for this variant (Variation ID: 2851296). For these reasons, this variant has been classified as Pathogenic.

Literature cited by the submitters: PubMed 14534157; PubMed 23692823; PubMed 27779742.

NM_172107.4(KCNQ2):c.1042_1043del (p.Ala348fs)

Gene: KCNQ2 (potassium voltage-gated channel subfamily Q member 2; minus strand). Cytogenetic location: 20q13.33.
Variant type: Deletion.
Coding change: c.1042_1043del on transcript NM_172107.4 (MANE Select); coding-DNA positions 1042 to 1043, 2 bases deleted (GC; older notation c.1042_1043delGC).
Protein change: p.Ala348fs; shifts the reading frame from alanine 348.
Molecular consequence: frameshift variant.
Genome position (GRCh38, 1-based): chr20:63,433,884-63,433,885, GC deleted on the plus strand (GC on the coding strand, the reverse complement: KCNQ2 is on the minus strand); deleting any 2 consecutive bases within chr20:63,433,884-63,433,886 gives the same sequence; the c. name uses the placement nearest the transcript's 3' end. VCF-style (leftmost placement, unchanged base first): chr20-63433883-GGC-G. GRCh37 (hg19) VCF-style: chr20-62065236-GGC-G.
Other names: c.1042_1043del, p.Ala348fs (NM_001382235.1, NM_004518.6, NM_172106.3 and 2 more transcripts); short protein forms A348fs.
Identifiers: ClinVar variation 2851296 (VCV002851296.3), dbSNP rs2516364667, ClinGen allele CA2739277260.